The following is an entry in ClinVar:

ClinVar aggregate classification (germline): Pathogenic (1 of 4 stars; one submission).

Conditions:
Combined immunodeficiency due to LRBA deficiency. Also called: Common variable immunodeficiency 8, with autoimmunity. Identifiers: Orphanet 445018, MedGen C3553512, MONDO:0013863, OMIM 614700.

Submission:

Labcorp Genetics (formerly Invitae), Labcorp
Classification: Pathogenic for Combined immunodeficiency due to LRBA deficiency. Last evaluated: 2019-05-06. Review status: criteria provided, single submitter. Criteria: Invitae Variant Classification Sherloc (09022015). Collection method: clinical testing. Allele origin: germline.
Comment: For these reasons, this variant has been classified as Pathogenic. Loss-of-function variants in LRBA are known to be pathogenic (PMID: 26206937, 26768763). This variant has not been reported in the literature in individuals with LRBA-related conditions. This variant is an out-of-frame deletion of the genomic region encompassing exons 15-17 of the LRBA gene. This is expected to create a premature translational stop signal and result in an absent or disrupted protein product.

Literature cited by the submitters: PubMed 26206937; PubMed 26768763.

NC_000004.12:g.(?_150893032)_(150897838_?)del

Gene: LRBA (LPS responsive beige-like anchor protein; minus strand). Cytogenetic location: 4q31.3.
Variant type: Deletion.
Identifiers: ClinVar variation 832310 (VCV000832310.3).